The following is an entry in ClinVar:

NM_001164508.2(NEB):c.17681T>C (p.Leu5894Pro)

Gene: NEB (nebulin; minus strand). Cytogenetic location: 2q23.3.
Variant type: single nucleotide variant.
Coding change: c.17681T>C on transcript NM_001164508.2 (MANE Select); coding-DNA position 17681, T replaced by C.
Protein change: p.Leu5894Pro; replaces leucine 5894 with proline.
Molecular consequence: missense variant.
Genome position (GRCh38, 1-based): chr2:151,568,371, A>G on the plus strand (T>C on the coding strand, the complement: NEB is on the minus strand). VCF-style: chr2-151568371-A-G. GRCh37 (hg19) VCF-style: chr2-152424885-A-G.
Other names: c.17681T>C, p.Leu5894Pro (NM_001164507.2, NM_001271208.2); c.12578T>C, p.Leu4193Pro (NM_004543.5); c.12578T>C (NM_004543.4); short protein forms L4193P, L5894P.
Identifiers: ClinVar variation 774037 (VCV000774037.20), dbSNP rs201072996, ClinGen allele CA1908136.
Genomic context (GRCh38, chr2:151,568,371, plus strand): 5'-CATACCTGGTCCAGTATCCTAGCAGCCTCCTGGGCAGTGTGCAGCAGGGGGGTTTCTGTG[A>G]GGGTGTACTTTGATTTGGTGGCATTCCAGTCTTTCCGGTATTTAATCTAAAAAAAAAAAA-3'
Protein context (NP_001157980.2, residues 5884-5904): DWNATKSKYT[Leu5894Pro]TETPLLHTAQ

ClinVar aggregate classification (germline): Conflicting classifications of pathogenicity. Review status: criteria provided, conflicting classifications (1 of 4 stars). 5 submissions from 5 submitters: Uncertain significance (3); Likely benign (1). 1 of the submissions does not count toward it. Last evaluated 2026-02-02.

Conditions:
Nemaline myopathy 2 (NEM2). Also called: Nemaline myopathy 2, autosomal recessive. Identifiers: MedGen C1850569, MONDO:0009725, OMIM 256030.
NEB-related disorder. Also called: NEB-Related Disorders; NEB-related condition.
Inborn genetic diseases. Identifiers: MedGen C0950123, MeSH D030342.

Allele frequency attached by ClinVar (database versions not stated): gnomAD below 0.00001 and 0.00009; TOPMed 0.00002; gnomAD exomes 0.00021 and 0.00041; 1000 Genomes Project 30x 0.00031; 1000 Genomes Project 0.00040; ExAC 0.00044.
gnomAD v4.1: 326 of 1,613,120 alleles (0.02%); highest among the groups gnomAD compares: South Asian, 0.34%; 5 homozygotes.

Submissions (5):

Labcorp Genetics (formerly Invitae), Labcorp
Classification: Likely benign for Nemaline myopathy 2. Last evaluated: 2026-02-02. Review status: criteria provided, single submitter. Criteria: Invitae Variant Classification Sherloc (09022015). Collection method: clinical testing. Allele origin: germline.

GeneDx
Classification: Uncertain significance. Last evaluated: 2022-10-31. Review status: criteria provided, single submitter. Criteria: GeneDx Variant Classification Process June 2021. Collection method: clinical testing. Allele origin: germline. Affected: yes.
Comment: In silico analysis supports that this missense variant has a deleterious effect on protein structure/function; Has not been previously published as pathogenic or benign to our knowledge

Ambry Genetics
Classification: Uncertain significance for Inborn genetic diseases. Last evaluated: 2022-07-20. Review status: criteria provided, single submitter. Criteria: Ambry Variant Classification Scheme 2023. Collection method: clinical testing. Allele origin: germline.

Revvity Omics, Revvity
Classification: Uncertain significance. Last evaluated: 2021-10-20. Review status: criteria provided, single submitter. Criteria: ACMG Guidelines, 2015. Collection method: clinical testing. Allele origin: germline.

PreventionGenetics, part of Exact Sciences
Classification: Likely benign for NEB-related condition. Last evaluated: 2022-10-24. Review status: no assertion criteria provided. Collection method: clinical testing. Allele origin: germline. Not counted in ClinVar's aggregate classification.
Comment: This variant is classified as likely benign based on ACMG/AMP sequence variant interpretation guidelines (Richards et al. 2015 PMID: 25741868, with internal and published modifications).